The following is an entry in ClinVar:

ClinVar aggregate classification (germline): Uncertain significance. Review status: criteria provided, multiple submitters, no conflicts (2 of 4 stars). 2 submissions from 2 submitters: Uncertain significance (2). Last evaluated 2025-11-17.

Allele frequency attached by ClinVar (database versions not stated): ExAC 0.00001; TOPMed 0.00002; gnomAD 0.00003.
gnomAD v4.1: 77 of 1,611,186 alleles (0.0048%); highest among the groups gnomAD compares: Non-Finnish European, 0.0064%; no homozygotes.

Submissions (2):

Labcorp Genetics (formerly Invitae), Labcorp
Classification: Uncertain significance. Last evaluated: 2025-11-17. Review status: criteria provided, single submitter. Criteria: Invitae Variant Classification Sherloc (09022015). Collection method: clinical testing. Allele origin: germline.
Comment: This sequence change replaces isoleucine, which is neutral and non-polar, with asparagine, which is neutral and polar, at codon 181 of the CD81 protein (p.Ile181Asn). This variant is present in population databases (rs768260681, gnomAD 0.004%). This variant has not been reported in the literature in individuals affected with CD81-related conditions. ClinVar contains an entry for this variant (Variation ID: 2300731). An algorithm developed to predict the effect of missense changes on protein structure and function (PolyPhen-2) suggests that this variant is likely to be tolerated. In summary, the available evidence is currently insufficient to determine the role of this variant in disease. Therefore, it has been classified as a Variant of Uncertain Significance.

Ambry Genetics
Classification: Uncertain significance. Last evaluated: 2022-07-12. Review status: criteria provided, single submitter. Criteria: Ambry Variant Classification Scheme 2023. Collection method: clinical testing. Allele origin: germline.

NM_004356.4(CD81):c.542T>A (p.Ile181Asn)

Gene: CD81 (CD81 molecule; plus strand). Cytogenetic location: 11p15.5.
Variant type: single nucleotide variant.
Coding change: c.542T>A on transcript NM_004356.4 (MANE Select); coding-DNA position 542, T replaced by A.
Protein change: p.Ile181Asn; replaces isoleucine 181 with asparagine.
Molecular consequence: missense variant.
Genome position (GRCh38, 1-based): chr11:2,395,951, T>A. VCF-style: chr11-2395951-T-A. GRCh37 (hg19) VCF-style: chr11-2417181-T-A.
Other names: c.329T>A, p.Ile110Asn (NM_001297649.2); short protein forms I110N, I181N.
Identifiers: ClinVar variation 2300731 (VCV002300731.3), dbSNP rs768260681, ClinGen allele CA5820057.